The following is an entry in ClinVar:

NM_001184880.2(PCDH19):c.97C>T (p.Gln33Ter)

Gene: PCDH19 (protocadherin 19; minus strand). Cytogenetic location: Xq22.1.
Variant type: single nucleotide variant.
Coding change: c.97C>T on transcript NM_001184880.2 (MANE Select); coding-DNA position 97, C replaced by T.
Protein change: p.Gln33Ter; replaces glutamine 33 with a stop codon.
Molecular consequence: nonsense.
Genome position (GRCh38, 1-based): chrX:100,408,501, G>A on the plus strand (C>T on the coding strand, the complement: PCDH19 is on the minus strand). VCF-style: chrX-100408501-G-A. GRCh37 (hg19) VCF-style: chrX-99663499-G-A.
Other names: c.97C>T, p.Gln33Ter (NM_001105243.2, NM_020766.3); short protein forms Q33*.
Identifiers: ClinVar variation 1700113 (VCV001700113.5), dbSNP rs1928479952, ClinGen allele CA414011381.

ClinVar aggregate classification (germline): Pathogenic. Review status: criteria provided, multiple submitters, no conflicts (2 of 4 stars). 3 submissions from 3 submitters: Pathogenic (3). Last evaluated 2026-08-12.

Conditions:
Neurodevelopmental delay. Identifiers: MedGen C4022738, HP:0012758.
Developmental and epileptic encephalopathy, 9 (DEE9). Also called: Early infantile epileptic encephalopathy 9; EPILEPSY, FEMALE-RESTRICTED, WITH MENTAL RETARDATION; JUBERG-HELLMAN SYNDROME; PCDH19-Related X-Linked Female-Limited Epilepsy with Mental Retardation. Identifiers: Orphanet 101039, Orphanet 2076, MedGen C1848137, MONDO:0010246, OMIM 300088. Disease mechanism: loss of function.

Submissions (3):

Institute of Medical Genetics and Applied Genomics, University Hospital Tübingen
Classification: Pathogenic for Developmental and epileptic encephalopathy, 9. Last evaluated: 2026-08-12. Review status: criteria provided, single submitter. Criteria: ACMG Guidelines, 2015. Collection method: clinical testing. Allele origin: germline. Inheritance: X-linked dominant inheritance. Affected: yes.

Labcorp Genetics (formerly Invitae), Labcorp
Classification: Pathogenic for Developmental and epileptic encephalopathy, 9. Last evaluated: 2024-10-31. Review status: criteria provided, single submitter. Criteria: Invitae Variant Classification Sherloc (09022015). Collection method: clinical testing. Allele origin: germline.
Comment: This sequence change creates a premature translational stop signal (p.Gln33*) in the PCDH19 gene. It is expected to result in an absent or disrupted protein product. Loss-of-function variants in PCDH19 are known to be pathogenic (PMID: 21053371). This variant is not present in population databases (gnomAD no frequency). This variant has not been reported in the literature in individuals affected with PCDH19-related conditions. ClinVar contains an entry for this variant (Variation ID: 1700113). For these reasons, this variant has been classified as Pathogenic.

Centre de Biologie Pathologie Génétique, Centre Hospitalier Universitaire de Lille
Classification: Pathogenic for Neurodevelopmental delay. Review status: criteria provided, single submitter. Criteria: ACMG Guidelines, 2015. Collection method: clinical testing. Allele origin: de novo. Affected: yes.

Literature cited by the submitters: PubMed 21053371 (cited by Labcorp Genetics (formerly Invitae), Labcorp).